The following is an entry in ClinVar:

NM_024105.4(ALG12):c.576C>T (p.Gly192=)

Gene: ALG12 (ALG12 alpha-1,6-mannosyltransferase; minus strand). Cytogenetic location: 22q13.33.
Variant type: single nucleotide variant.
Coding change: c.576C>T on transcript NM_024105.4 (MANE Select); coding-DNA position 576, C replaced by T.
Protein change: p.Gly192=; no amino-acid change (glycine 192 retained).
Molecular consequence: synonymous variant.
Genome position (GRCh38, 1-based): chr22:49,909,982, G>A on the plus strand (C>T on the coding strand, the complement: ALG12 is on the minus strand). VCF-style: chr22-49909982-G-A. GRCh37 (hg19) VCF-style: chr22-50303630-G-A.
Identifiers: ClinVar variation 1537279 (VCV001537279.10), dbSNP rs763437728, ClinGen allele CA10300556.

ClinVar aggregate classification (germline): Likely benign. Review status: criteria provided, multiple submitters, no conflicts (2 of 4 stars). 2 submissions from 2 submitters: Likely benign (2). Last evaluated 2026-05-01.

Conditions:
ALG12-congenital disorder of glycosylation (CDG1G). Also called: ALG12-CDG; Congenital disorder of glycosylation, type Ig; CDG Ig. Identifiers: Orphanet 79324, MedGen C2931001, MONDO:0011783, OMIM 607143.

Allele frequency attached by ClinVar (database versions not stated): gnomAD exomes below 0.00001; ExAC 0.00001; gnomAD 0.00001 and 0.00002; TOPMed 0.00003.

Submissions (2):

CeGaT Center for Human Genetics Tuebingen
Classification: Likely benign. Last evaluated: 2026-05-01. Review status: criteria provided, single submitter. Criteria: CeGaT Center For Human Genetics Tuebingen Variant Classification Criteria Version 2. Collection method: clinical testing. Allele origin: germline. Affected: yes. Observed: 1 variant allele.
Comment: ALG12: BP4, BP7

Labcorp Genetics (formerly Invitae), Labcorp
Classification: Likely benign for ALG12-congenital disorder of glycosylation. Last evaluated: 2025-07-27. Review status: criteria provided, single submitter. Criteria: Invitae Variant Classification Sherloc (09022015). Collection method: clinical testing. Allele origin: germline.